The following is an entry in ClinVar:

NM_002439.5(MSH3):c.2668_2671del (p.Glu889_Arg890insTer)

Gene: MSH3 (mutS homolog 3; plus strand). Cytogenetic location: 5q14.1.
Variant type: Microsatellite.
Coding change: c.2668_2671del on transcript NM_002439.5 (MANE Select); coding-DNA positions 2668 to 2671, 4 bases deleted (AGAG; older notation c.2668_2671delAGAG).
Protein change: p.Glu889_Arg890insTer.
Molecular consequence: nonsense.
Genome position (GRCh38, 1-based): chr5:80,813,596-80,813,599, AGAG deleted; deleting any 4 consecutive bases within chr5:80,813,592-80,813,599 gives the same sequence; the c. name uses the placement nearest the transcript's 3' end. VCF-style (leftmost placement, unchanged base first): chr5-80813591-CAGAG-C. GRCh37 (hg19) VCF-style: chr5-80109410-CAGAG-C.
Other names: c.2668_2671delAGAG (NM_002439.3).
Identifiers: ClinVar variation 647814 (VCV000647814.10), dbSNP rs1561486632, ClinGen allele CA915943368.

ClinVar aggregate classification (germline): Pathogenic/Likely pathogenic. Review status: criteria provided, multiple submitters, no conflicts (2 of 4 stars). 4 submissions from 4 submitters: Pathogenic (3); Likely pathogenic (1). Last evaluated 2024-02-11.

Conditions:
Familial adenomatous polyposis 4 (FAP4). Also called: MSH3-related attenuated familial adenomatous polyposis. Identifiers: Orphanet 480536, MedGen C4310719, MONDO:0044300, OMIM 617100.
Hereditary cancer-predisposing syndrome. Also called: Hereditary Cancer Syndrome; Tumor predisposition; Hereditary neoplastic syndrome; Neoplastic Syndromes, Hereditary. Identifiers: Orphanet 140162, MedGen C0027672, MeSH D009386, MONDO:0015356.
Endometrial carcinoma. Also called: Endometrial carcinoma, somatic. Identifiers: MedGen C0476089, MONDO:0002447, OMIM 608089, HP:0012114.

Submissions (4):

Labcorp Genetics (formerly Invitae), Labcorp
Classification: Pathogenic. Last evaluated: 2024-02-11. Review status: criteria provided, single submitter. Criteria: Invitae Variant Classification Sherloc (09022015). Collection method: clinical testing. Allele origin: germline.
Comment: This sequence change creates a premature translational stop signal (p.Arg890*) in the MSH3 gene. It is expected to result in an absent or disrupted protein product. Loss-of-function variants in MSH3 are known to be pathogenic (PMID: 27476653, 37402566). This variant is not present in population databases (gnomAD no frequency). This variant has not been reported in the literature in individuals affected with MSH3-related conditions. ClinVar contains an entry for this variant (Variation ID: 647814). For these reasons, this variant has been classified as Pathogenic.

Myriad Genetics, Inc.
Classification: Pathogenic for Familial adenomatous polyposis 4. Last evaluated: 2023-07-10. Review status: criteria provided, single submitter. Criteria: Myriad Autosomal Dominant, Autosomal Recessive and X-Linked Classification Criteria (2023). Collection method: clinical testing. Allele origin: unknown.
Comment: This variant is considered pathogenic. This variant creates a termination codon and is predicted to result in premature protein truncation.

Ambry Genetics
Classification: Pathogenic for Hereditary cancer-predisposing syndrome. Last evaluated: 2023-01-27. Review status: criteria provided, single submitter. Criteria: Ambry Variant Classification Scheme 2023. Collection method: clinical testing. Allele origin: germline.
Comment: The c.2668_2671delAGAG pathogenic mutation, located in coding exon 20 of the MSH3 gene, results from a deletion of 4 nucleotides at nucleotide positions 2668 to 2671, causing a translational frameshift with a predicted alternate stop codon (p.R890*). This variant is considered to be rare based on population cohorts in the Genome Aggregation Database (gnomAD). This alteration is expected to result in loss of function by premature protein truncation or nonsense-mediated mRNA decay. As such, this alteration is interpreted as a disease-causing mutation.

Baylor Genetics
Classification: Likely pathogenic for Endometrial carcinoma. Last evaluated: 2022-11-25. Review status: criteria provided, single submitter. Criteria: ACMG Guidelines, 2015. Collection method: clinical testing. Allele origin: unknown.

Literature cited by the submitters: PubMed 27476653 (cited by Labcorp Genetics (formerly Invitae), Labcorp); PubMed 37402566 (cited by Labcorp Genetics (formerly Invitae), Labcorp).